The following is an entry in ClinVar:

NM_147191.1(MMP21):c.1539T>G (p.Tyr513Ter)

Gene: MMP21 (matrix metallopeptidase 21; minus strand). Cytogenetic location: 10q26.2.
Variant type: single nucleotide variant.
Coding change: c.1539T>G on transcript NM_147191.1 (MANE Select); coding-DNA position 1539, T replaced by G.
Protein change: p.Tyr513Ter; replaces tyrosine 513 with a stop codon.
Molecular consequence: nonsense.
Genome position (GRCh38, 1-based): chr10:125,766,833, A>C on the plus strand (T>G on the coding strand, the complement: MMP21 is on the minus strand). VCF-style: chr10-125766833-A-C. GRCh37 (hg19) VCF-style: chr10-127455402-A-C.
Other names: short protein forms Y513*.
Identifiers: ClinVar variation 504278 (VCV000504278.4), dbSNP rs948481222, ClinGen allele CA215313760.

ClinVar aggregate classification (germline): Likely pathogenic (1 of 4 stars; one submission).

Allele frequency attached by ClinVar (database versions not stated): gnomAD exomes below 0.00001; TOPMed below 0.00001.
gnomAD v4.1: 17 of 1,613,976 alleles (0.0011%); highest among the groups gnomAD compares: Non-Finnish European, 0.0014%; no homozygotes.

Submission:

GeneDx
Classification: Likely pathogenic. Last evaluated: 2025-06-04. Review status: criteria provided, single submitter. Criteria: GeneDx Variant Classification Process June 2021. Collection method: clinical testing. Allele origin: germline. Affected: yes.
Comment: Nonsense variant in the C-terminus predicted to result in protein truncation, as the last 57 amino acids are lost, and other loss-of-function variants have been reported downstream in the Human Gene Mutation Database (HGMD); Not observed at a significant frequency in large population cohorts (gnomAD); Has not been previously published as pathogenic or benign to our knowledge